The following is an entry in ClinVar:

ClinVar aggregate classification (germline): Uncertain significance. Review status: criteria provided, multiple submitters, no conflicts (2 of 4 stars). 2 submissions from 2 submitters: Uncertain significance (2). Last evaluated 2024-01-03.

Conditions:
Inborn genetic diseases. Identifiers: MedGen C0950123, MeSH D030342.

Allele frequency attached by ClinVar (database versions not stated): gnomAD 0.00004; ESP Exome Variant Server 0.00008.
gnomAD v4.1: 89 of 1,600,066 alleles (0.0056%); highest among the groups gnomAD compares: Non-Finnish European, 0.0066%; no homozygotes.

Submissions (2):

Ambry Genetics
Classification: Uncertain significance for Inborn genetic diseases. Last evaluated: 2024-01-03. Review status: criteria provided, single submitter. Criteria: Ambry Variant Classification Scheme 2023. Collection method: clinical testing. Allele origin: germline.

Labcorp Genetics (formerly Invitae), Labcorp
Classification: Uncertain significance. Last evaluated: 2021-06-19. Review status: criteria provided, single submitter. Criteria: Invitae Variant Classification Sherloc (09022015). Collection method: clinical testing. Allele origin: germline.
Comment: This sequence change replaces proline with leucine at codon 171 of the GPD1 protein (p.Pro171Leu). The proline residue is weakly conserved and there is a moderate physicochemical difference between proline and leucine. This variant is present in population databases (rs200991139, ExAC 0.005%). In summary, the available evidence is currently insufficient to determine the role of this variant in disease. Therefore, it has been classified as a Variant of Uncertain Significance. Algorithms developed to predict the effect of missense changes on protein structure and function output the following: SIFT: "Tolerated"; PolyPhen-2: "Benign"; Align-GVGD: "Class C0". The leucine amino acid residue is found in multiple mammalian species, suggesting that this missense change does not adversely affect protein function. These predictions have not been confirmed by published functional studies and their clinical significance is uncertain. This variant has not been reported in the literature in individuals with GPD1-related conditions.

NM_005276.4(GPD1):c.512C>T (p.Pro171Leu)

Gene: GPD1 (glycerol-3-phosphate dehydrogenase 1; plus strand). Cytogenetic location: 12q13.12.
Variant type: single nucleotide variant.
Coding change: c.512C>T on transcript NM_005276.4 (MANE Select); coding-DNA position 512, C replaced by T.
Protein change: p.Pro171Leu; replaces proline 171 with leucine.
Molecular consequence: missense variant.
Genome position (GRCh38, 1-based): chr12:50,106,817, C>T. VCF-style: chr12-50106817-C-T. GRCh37 (hg19) VCF-style: chr12-50500600-C-T.
Other names: c.443C>T, p.Pro148Leu (NM_001257199.2); c.512C>T (NM_005276.2); short protein forms P148L, P171L.
Identifiers: ClinVar variation 1448867 (VCV001448867.9), dbSNP rs200991139, ClinGen allele CA6561624.